The following is an entry in ClinVar:

NM_023935.3(DDRGK1):c.836T>C (p.Val279Ala)

Gene: DDRGK1 (DDRGK domain containing 1; minus strand). Cytogenetic location: 20p13.
Variant type: single nucleotide variant.
Coding change: c.836T>C on transcript NM_023935.3 (MANE Select); coding-DNA position 836, T replaced by C.
Protein change: p.Val279Ala; replaces valine 279 with alanine.
Molecular consequence: missense variant.
Genome position (GRCh38, 1-based): chr20:3,190,762, A>G on the plus strand (T>C on the coding strand, the complement: DDRGK1 is on the minus strand). VCF-style: chr20-3190762-A-G. GRCh37 (hg19) VCF-style: chr20-3171408-A-G.
Other names: c.836T>C (NM_023935.1); short protein forms V279A.
Identifiers: ClinVar variation 1471614 (VCV001471614.7), dbSNP rs779943089, ClinGen allele CA9740740.

ClinVar aggregate classification (germline): Uncertain significance. Review status: criteria provided, multiple submitters, no conflicts (2 of 4 stars). 2 submissions from 2 submitters: Uncertain significance (2). Last evaluated 2025-05-28.

Conditions:
Inborn genetic diseases. Identifiers: MedGen C0950123, MeSH D030342.

Allele frequency attached by ClinVar (database versions not stated): gnomAD exomes 0.00001 and 0.00007; TOPMed 0.00003; ExAC 0.00006.

Submissions (2):

Ambry Genetics
Classification: Uncertain significance for Inborn genetic diseases. Last evaluated: 2025-05-28. Review status: criteria provided, single submitter. Criteria: Ambry Variant Classification Scheme 2023. Collection method: clinical testing. Allele origin: germline.

Labcorp Genetics (formerly Invitae), Labcorp
Classification: Uncertain significance. Last evaluated: 2022-09-19. Review status: criteria provided, single submitter. Criteria: Invitae Variant Classification Sherloc (09022015). Collection method: clinical testing. Allele origin: germline.
Comment: ClinVar contains an entry for this variant (Variation ID: 1471614). This variant has not been reported in the literature in individuals affected with DDRGK1-related conditions. This variant is present in population databases (rs779943089, gnomAD 0.05%). This sequence change replaces valine, which is neutral and non-polar, with alanine, which is neutral and non-polar, at codon 279 of the DDRGK1 protein (p.Val279Ala). In summary, the available evidence is currently insufficient to determine the role of this variant in disease. Therefore, it has been classified as a Variant of Uncertain Significance. Algorithms developed to predict the effect of missense changes on protein structure and function are either unavailable or do not agree on the potential impact of this missense change (SIFT: "Not Available"; PolyPhen-2: "Benign"; Align-GVGD: "Not Available").